The following is an entry in ClinVar:

GRCh37/hg19 2p16.3(chr2:50868551-51521625)x1

Gene: NRXN1 (neurexin 1; minus strand). Cytogenetic location: 2p16.3.
Variant type: copy number loss.
Change: copy number 1 (one copy instead of two) of chr2:50,868,551-51,521,625 (653.1 kb, GRCh37 coordinates, 1-based), cytogenetic band 2p16.3.
Identifiers: ClinVar variation 1807791 (VCV001807791.1).

ClinVar aggregate classification (germline): Pathogenic (1 of 4 stars; one submission).

Submission:

Quest Diagnostics Nichols Institute San Juan Capistrano
Classification: Pathogenic. Last evaluated: 2021-10-22. Review status: criteria provided, single submitter. Criteria: ACMG/ClinGen CNV Guidelines, 2019. Collection method: clinical testing. Allele origin: unknown.
Comment: The 2p16.3 imbalance is expected to cause phenotypic and/or developmental abnormalities. The loss of 2p16.3 involves multiple exons of the NRXN1 gene at the 5' region. This genomic loss may predispose to a wide spectrum of developmental disorders (Al Shehhi et al., Eur J Med Genet. 2018 Jul 18. Pii: S1769-7212(18)30079-X., PMID: 30031152; Ching et al., Am J Med Genet B Neuropsychiatr Genet. 2010 Jun 5;153B(4):937-47, PMID: 20468056). Most individuals with NRXN1 exonic deletions have developmental delay (particularly speech), abnormal behaviors, and mild dysmorphic features. In a cohort of over 20 individuals with NRXN1 exonic deletions, autism spectrum disorders were diagnosed in 43% (10/23), and 16% (4/25) had epilepsy (Dabell MP, et al., Am J Med Genet A. 2013 Apr;161A(4):717-31; PMID: 23495017). Data from a recent study evaluating NRXN1 deletions suggests partial deletions near the 5' end have a higher penetrance related to the expression of neurodevelopmental phenotypes compared to those at the 3' end (Lowther et al. Genet Med. 2017 Jan;19(1):53-61. PMID: 27195815).